The following is an entry in ClinVar:

NM_005141.5(FGB):c.691T>C (p.Cys231Arg)

Gene: FGB (fibrinogen beta chain; plus strand). Cytogenetic location: 4q31.3.
Variant type: single nucleotide variant.
Coding change: c.691T>C on transcript NM_005141.5 (MANE Select); coding-DNA position 691, T replaced by C.
Protein change: p.Cys231Arg; replaces cysteine 231 with arginine.
Molecular consequence: missense variant.
Genome position (GRCh38, 1-based): chr4:154,567,793, T>C. VCF-style: chr4-154567793-T-C. GRCh37 (hg19) VCF-style: chr4-155488945-T-C.
Other names: c.514T>C, p.Cys172Arg (NM_001184741.1); c.559T>C, p.Cys187Arg (NM_001382759.1); c.691T>C, p.Cys231Arg (NM_001382760.1, NM_001382761.1, NM_001382762.1 and 3 more transcripts); short protein forms C172R, C187R, C231R.
Identifiers: ClinVar variation 1687401 (VCV001687401.1), dbSNP rs1730226269, ClinGen allele CA358511983.

ClinVar aggregate classification (germline): Uncertain significance (1 of 4 stars; one submission).

Conditions:
Congenital afibrinogenemia. Identifiers: Orphanet 335, Orphanet 98880, MedGen C2584774, MONDO:0008737, OMIM 202400.

Submission:

3billion
Classification: Uncertain significance for Congenital afibrinogenemia. Last evaluated: 2022-05-22. Review status: criteria provided, single submitter. Criteria: ACMG Guidelines, 2015. Collection method: clinical testing. Allele origin: germline. Affected: yes. Observed: 1 homozygote.
Comment: The variant is not observed in the gnomAD v2.1.1 dataset. Missense changes are a common disease-causing mechanism. In silico tool predictions suggest damaging effect of the variant on gene or gene product (REVEL: 0.86; 3Cnet: 0.63). Therefore, this variant is classified as uncertain significanceaccording to the recommendation of ACMG/AMP guideline.